The following is an entry in ClinVar:

NM_152641.4(ARID2):c.2455C>G (p.Gln819Glu)

Gene: ARID2 (AT-rich interaction domain 2; plus strand). Cytogenetic location: 12q12.
Variant type: single nucleotide variant.
Coding change: c.2455C>G on transcript NM_152641.4 (MANE Select); coding-DNA position 2455, C replaced by G.
Protein change: p.Gln819Glu; replaces glutamine 819 with glutamic acid.
Molecular consequence: missense variant.
Genome position (GRCh38, 1-based): chr12:45,850,578, C>G. VCF-style: chr12-45850578-C-G. GRCh37 (hg19) VCF-style: chr12-46244361-C-G.
Other names: c.2455C>G, p.Gln819Glu (NM_001347839.2); short protein forms Q819E.
Identifiers: ClinVar variation 2627177 (VCV002627177.2), dbSNP rs1278120538, ClinGen allele CA384474739.
Genomic context (GRCh38, chr12:45,850,578, plus strand): 5'-AGTCATATGTTTGGCAGAGTACAGAACATACCAGCATGTACTTCTACAGTTTCACAGGGT[C>G]AACAGTTAATCACCACATCACCCCAACCTGTGCAAACTTCATCTCAACAGACATCAGCTG-3'
Protein context (NP_689854.2, residues 809-829): PACTSTVSQG[Gln819Glu]QLITTSPQPV

ClinVar aggregate classification (germline): Uncertain significance (1 of 4 stars; one submission).

Submission:

Women's Health and Genetics/Laboratory Corporation of America, LabCorp
Classification: Uncertain significance. Last evaluated: 2025-07-17. Review status: criteria provided, single submitter. Criteria: LabCorp Variant Classification Summary - May 2015. Collection method: clinical testing. Allele origin: germline.
Comment: Variant summary: ARID2 c.2455C>G (p.Gln819Glu) results in a conservative amino acid change in the encoded protein sequence. Algorithms developed to predict the effect of missense changes on protein structure and function are either unavailable or do not agree on the potential impact of this missense change. The variant was absent in 250934 control chromosomes. The available data on variant occurrences in the general population are insufficient to allow any conclusion about variant significance. To our knowledge, no occurrence of c.2455C>G in individuals affected with Coffin-Siris Syndrome 6 and no experimental evidence demonstrating its impact on protein function have been reported. ClinVar contains an entry for this variant (Variation ID: 2627177). Based on the evidence outlined above, the variant was classified as uncertain significance.